The following is an entry in ClinVar:

NM_001135651.3(EIF2AK2):c.770A>C (p.Tyr257Ser)

Gene: EIF2AK2 (eukaryotic translation initiation factor 2 alpha kinase 2; minus strand). Cytogenetic location: 2p22.2.
Variant type: single nucleotide variant.
Coding change: c.770A>C on transcript NM_001135651.3 (MANE Select); coding-DNA position 770, A replaced by C.
Protein change: p.Tyr257Ser; replaces tyrosine 257 with serine.
Molecular consequence: missense variant.
Genome position (GRCh38, 1-based): chr2:37,135,499, T>G on the plus strand (A>C on the coding strand, the complement: EIF2AK2 is on the minus strand). VCF-style: chr2-37135499-T-G. GRCh37 (hg19) VCF-style: chr2-37362642-T-G.
Other names: c.770A>C, p.Tyr257Ser (NM_001135652.3, NM_002759.4); short protein forms Y257S.
Identifiers: ClinVar variation 2025974 (VCV002025974.4), dbSNP rs998218202, ClinGen allele CA45456644.

ClinVar aggregate classification (germline): Uncertain significance (1 of 4 stars; one submission).

Submission:

Labcorp Genetics (formerly Invitae), Labcorp
Classification: Uncertain significance. Last evaluated: 2022-08-31. Review status: criteria provided, single submitter. Criteria: Invitae Variant Classification Sherloc (09022015). Collection method: clinical testing. Allele origin: germline.
Comment: In summary, the available evidence is currently insufficient to determine the role of this variant in disease. Therefore, it has been classified as a Variant of Uncertain Significance. Algorithms developed to predict the effect of missense changes on protein structure and function (SIFT, PolyPhen-2, Align-GVGD) all suggest that this variant is likely to be tolerated. This variant has not been reported in the literature in individuals affected with EIF2AK2-related conditions. This variant is not present in population databases (gnomAD no frequency). This sequence change replaces tyrosine, which is neutral and polar, with serine, which is neutral and polar, at codon 257 of the EIF2AK2 protein (p.Tyr257Ser).